The following is an entry in ClinVar:

NM_012073.5(CCT5):c.1433G>A (p.Arg478Gln)

Gene: CCT5 (chaperonin containing TCP1 subunit 5; plus strand). Cytogenetic location: 5p15.2.
Variant type: single nucleotide variant.
Coding change: c.1433G>A on transcript NM_012073.5 (MANE Select); coding-DNA position 1433, G replaced by A.
Protein change: p.Arg478Gln; replaces arginine 478 with glutamine.
Molecular consequence: missense variant.
Genome position (GRCh38, 1-based): chr5:10,263,249, G>A. VCF-style: chr5-10263249-G-A. GRCh37 (hg19) VCF-style: chr5-10263361-G-A.
Other names: c.1370G>A, p.Arg457Gln (NM_001306153.1); c.1268G>A, p.Arg423Gln (NM_001306154.2); c.1154G>A, p.Arg385Gln (NM_001306155.2); c.1319G>A, p.Arg440Gln (NM_001306156.2); short protein forms R457Q, R478Q, R440Q, R385Q, R423Q.
Identifiers: ClinVar variation 955972 (VCV000955972.2), dbSNP rs1746055933, ClinGen allele CA359186294.

ClinVar aggregate classification (germline): Uncertain significance. Review status: criteria provided, multiple submitters, no conflicts (2 of 4 stars). 2 submissions from 2 submitters: Uncertain significance (2). Last evaluated 2024-08-04.

Conditions:
Hereditary sensory and autonomic neuropathy with spastic paraplegia (HSNSP). Identifiers: Orphanet 139578, MedGen C1850395, MONDO:0009748, OMIM 256840.

Allele frequency attached by ClinVar (database versions not stated): gnomAD exomes 0.00001.
gnomAD v4.1: 10 of 1,614,048 alleles (0.00062%); highest among the groups gnomAD compares: East Asian, 0.0089%; no homozygotes.

Submissions (2):

Ambry Genetics
Classification: Uncertain significance. Last evaluated: 2024-08-04. Review status: criteria provided, single submitter. Criteria: Ambry Variant Classification Scheme 2023. Collection method: clinical testing. Allele origin: germline.

Labcorp Genetics (formerly Invitae), Labcorp
Classification: Uncertain significance for Neuropathy, hereditary sensory, with spastic paraplegia, autosomal recessive. Last evaluated: 2019-07-31. Review status: criteria provided, single submitter. Criteria: Invitae Variant Classification Sherloc (09022015). Collection method: clinical testing. Allele origin: germline.
Comment: This sequence change replaces arginine with glutamine at codon 478 of the CCT5 protein (p.Arg478Gln). The arginine residue is moderately conserved and there is a small physicochemical difference between arginine and glutamine. This variant is not present in population databases (ExAC no frequency). This variant has not been reported in the literature in individuals with CCT5-related conditions. Algorithms developed to predict the effect of missense changes on protein structure and function are either unavailable or do not agree on the potential impact of this missense change (SIFT: "Deleterious"; PolyPhen-2: "Benign"; Align-GVGD: "Class C0"). In summary, the available evidence is currently insufficient to determine the role of this variant in disease. Therefore, it has been classified as a Variant of Uncertain Significance.